The following is an entry in ClinVar:

NM_001278116.2(L1CAM):c.1220G>A (p.Arg407His)

Gene: L1CAM (L1 cell adhesion molecule; minus strand). Cytogenetic location: Xq28.
Variant type: single nucleotide variant.
Coding change: c.1220G>A on transcript NM_001278116.2 (MANE Select); coding-DNA position 1220, G replaced by A.
Protein change: p.Arg407His; replaces arginine 407 with histidine.
Molecular consequence: missense variant.
Genome position (GRCh38, 1-based): chrX:153,869,567, C>T on the plus strand (G>A on the coding strand, the complement: L1CAM is on the minus strand). VCF-style: chrX-153869567-C-T. GRCh37 (hg19) VCF-style: chrX-153135022-C-T.
Other names: c.1220G>A, p.Arg407His (NM_000425.5, NM_024003.3); c.1205G>A, p.Arg402His (NM_001143963.2); short protein forms R407H, R402H.
Identifiers: ClinVar variation 589150 (VCV000589150.10), dbSNP rs139197516, ClinGen allele CA337263142.

ClinVar aggregate classification (germline): Conflicting classifications of pathogenicity. Review status: criteria provided, conflicting classifications (1 of 4 stars). 4 submissions from 4 submitters: Uncertain significance (3); Benign (1). Last evaluated 2025-06-12.

Conditions:
Inborn genetic diseases. Identifiers: MedGen C0950123, MeSH D030342.
Spastic paraplegia. Identifiers: MedGen C0037772, HP:0001258.
X-linked hydrocephalus syndrome (HYCX). Also called: X-linked hydrocephalus; AQUEDUCTAL STENOSIS, X-LINKED; X-Linked Hydrocephalus with Stenosis of the Aqueduct of Sylvius; HYDROCEPHALUS, CONGENITAL, X-LINKED; X-Linked Hydrocephalus with Stenosis of the Aqueduct of Sylvius (HSAS). Identifiers: Orphanet 2182, MedGen C0265216, MONDO:0010611, OMIM 307000.
MASA syndrome. Also called: CRASH syndrome; SPASTIC PARAPLEGIA 1, X-LINKED; ADDUCTED THUMB WITH MENTAL RETARDATION; MASA Syndrome (Mental Retardation, Adducted Thumbs, Shuffling Gait, and Aphasia); CLASPED THUMB AND MENTAL RETARDATION; GAREIS-MASON SYNDROME. Identifiers: Orphanet 2466, MedGen C0795953, MONDO:0010559, OMIM 303350.
X-linked complicated corpus callosum dysgenesis. Also called: X-Linked Complicated Corpus Callosum Agenesis. Identifiers: Orphanet 1497, MedGen C1839909, MONDO:0010569, OMIM 304100.

Allele frequency attached by ClinVar (database versions not stated): gnomAD exomes 0.00001; TOPMed 0.00002; gnomAD 0.00004; ESP Exome Variant Server 0.00009.
gnomAD v4.1: 29 of 1,209,794 alleles (0.0024%); highest among the groups gnomAD compares: South Asian, 0.011%; 1 homozygote.

Submissions (4):

Labcorp Genetics (formerly Invitae), Labcorp
Classification: Benign for Spastic paraplegia. Last evaluated: 2025-06-12. Review status: criteria provided, single submitter. Criteria: Invitae Variant Classification Sherloc (09022015). Collection method: clinical testing. Allele origin: germline.

Athena Diagnostics
Classification: Uncertain significance. Last evaluated: 2023-11-07. Review status: criteria provided, single submitter. Criteria: Athena Diagnostics Criteria. Collection method: clinical testing. Allele origin: unknown.
Comment: Available data are insufficient to determine the clinical significance of the variant at this time. The frequency of this variant in the general population is uninformative in assessment of its pathogenicity. This variant has been seen where an alternate explanation for disease was also identified, suggesting this variant may not cause disease. Computational tools predict that this variant is not damaging.

Department of Pathology and Laboratory Medicine, Sinai Health System
Classification: Uncertain significance for X-linked complicated corpus callosum dysgenesis; MASA syndrome; X-linked hydrocephalus syndrome. Last evaluated: 2022-10-07. Review status: criteria provided, single submitter. Criteria: ACMG Guidelines, 2015. Collection method: research. Allele origin: germline.

Ambry Genetics
Classification: Uncertain significance for Inborn genetic diseases. Last evaluated: 2017-05-30. Review status: criteria provided, single submitter. Criteria: Ambry Variant Classification Scheme 2023. Collection method: clinical testing. Allele origin: germline.
Comment: The p.R407H variant (also known as c.1220G>A), located in coding exon 10 of the L1CAM gene, results from a G to A substitution at nucleotide position 1220. The arginine at codon 407 is replaced by histidine, an amino acid with highly similar properties. This amino acid position is not well conserved in available vertebrate species, and histidine is the reference amino acid in other vertebrate species. In addition, this alteration is predicted to be tolerated by in silico analysis. Since supporting evidence is limited at this time, the clinical significance of this alteration remains unclear.